The following is an entry in ClinVar:

NM_003896.4(ST3GAL5):c.311A>T (p.His104Leu)

Gene: ST3GAL5 (ST3 beta-galactoside alpha-2,3-sialyltransferase 5; minus strand). Cytogenetic location: 2p11.2.
Variant type: single nucleotide variant.
Coding change: c.311A>T on transcript NM_003896.4 (MANE Select); coding-DNA position 311, A replaced by T.
Protein change: p.His104Leu; replaces histidine 104 with leucine.
Molecular consequence: missense variant. On other transcripts: 5 prime UTR variant (5).
Genome position (GRCh38, 1-based): chr2:85,861,188, T>A on the plus strand (A>T on the coding strand, the complement: ST3GAL5 is on the minus strand). VCF-style: chr2-85861188-T-A. GRCh37 (hg19) VCF-style: chr2-86088311-T-A.
Other names: c.242A>T, p.His81Leu (NM_001042437.2); c.-251A>T (NM_001354223.2, NM_001354226.2); c.-314A>T (NM_001354224.2); c.227A>T, p.His76Leu (NM_001354227.2, NM_001354229.2, NM_001354238.1); c.-691A>T (NM_001354233.2); c.-655A>T (NM_001354234.1); c.311A>T, p.His104Leu (NM_001363847.1); short protein forms H104L, H76L, H81L.
Identifiers: ClinVar variation 947884 (VCV000947884.9), dbSNP rs1138484, ClinGen allele CA347533927.

ClinVar aggregate classification (germline): Uncertain significance. Review status: criteria provided, multiple submitters, no conflicts (2 of 4 stars). 3 submissions from 3 submitters: Uncertain significance (3). Last evaluated 2024-10-16.

Conditions:
GM3 synthase deficiency (SPDRS). Also called: AMISH INFANTILE EPILEPSY SYNDROME; SALT AND PEPPER MENTAL RETARDATION SYNDROME; SALT AND PEPPER DEVELOPMENTAL REGRESSION SYNDROME. Identifiers: Orphanet 171714, Orphanet 370933, MedGen C1836824, MONDO:0018274, OMIM 609056.

gnomAD v4.1: 14 of 1,597,742 alleles (0.00088%); highest among the groups gnomAD compares: Middle Eastern, 0.018%; no homozygotes.

Submissions (3):

Blueprint Genetics
Classification: Uncertain significance. Last evaluated: 2024-10-16. Review status: criteria provided, single submitter. Criteria: ACMG Guidelines, 2015. Collection method: clinical testing. Allele origin: germline.

Labcorp Genetics (formerly Invitae), Labcorp
Classification: Uncertain significance for GM3 synthase deficiency. Last evaluated: 2022-10-17. Review status: criteria provided, single submitter. Criteria: Invitae Variant Classification Sherloc (09022015). Collection method: clinical testing. Allele origin: germline.
Comment: This sequence change replaces histidine, which is basic and polar, with leucine, which is neutral and non-polar, at codon 104 of the ST3GAL5 protein (p.His104Leu). This variant is not present in population databases (gnomAD no frequency). This variant has not been reported in the literature in individuals affected with ST3GAL5-related conditions. ClinVar contains an entry for this variant (Variation ID: 947884). Advanced modeling of protein sequence and biophysical properties (such as structural, functional, and spatial information, amino acid conservation, physicochemical variation, residue mobility, and thermodynamic stability) performed at Invitae indicates that this missense variant is not expected to disrupt ST3GAL5 protein function. In summary, the available evidence is currently insufficient to determine the role of this variant in disease. Therefore, it has been classified as a Variant of Uncertain Significance.

Breakthrough Genomics
Classification: Uncertain significance. Review status: criteria provided, single submitter. Criteria: ACMG Guidelines, 2015. Collection method: not provided. Allele origin: germline. Inheritance: Autosomal recessive inheritance. Affected: yes.